The following is an entry in ClinVar:

NM_000038.6(APC):c.8038C>A (p.Pro2680Thr)

Gene: APC (APC regulator of Wnt signaling pathway; plus strand). Cytogenetic location: 5q22.2.
Variant type: single nucleotide variant.
Coding change: c.8038C>A on transcript NM_000038.6 (MANE Select); coding-DNA position 8038, C replaced by A.
Protein change: p.Pro2680Thr; replaces proline 2680 with threonine.
Molecular consequence: missense variant.
Genome position (GRCh38, 1-based): chr5:112,843,632, C>A. VCF-style: chr5-112843632-C-A. GRCh37 (hg19) VCF-style: chr5-112179329-C-A.
Other names: c.7954C>A, p.Pro2652Thr (NM_001354899.2); c.7915C>A, p.Pro2639Thr (NM_001354900.2); c.7861C>A, p.Pro2621Thr (NM_001354901.2); c.8038C>A, p.Pro2680Thr (NM_001127510.3, NM_001354895.2); c.7765C>A, p.Pro2589Thr (NM_001354902.2); c.7984C>A, p.Pro2662Thr (NM_001127511.3); c.7735C>A, p.Pro2579Thr (NM_001354903.2); c.7660C>A, p.Pro2554Thr (NM_001354904.2); and 5 more; short protein forms P2621T, P2690T, P2652T, P2662T, P2680T, P2698T, P2397T, P2554T.
Identifiers: ClinVar variation 802148 (VCV000802148.14), dbSNP rs587780553, ClinGen allele CA16038784.

ClinVar aggregate classification (germline): Uncertain significance. Review status: criteria provided, multiple submitters, no conflicts (2 of 4 stars). 4 submissions from 4 submitters: Uncertain significance (4). Last evaluated 2026-08-20.

Conditions:
Familial adenomatous polyposis 1 (FAP1). Also called: FAMILIAL ADENOMATOUS POLYPOSIS 1, ATTENUATED; POLYPOSIS, ADENOMATOUS INTESTINAL. Identifiers: MedGen C2713442, MONDO:0021056, OMIM 175100. Disease mechanism: loss of function.
Hereditary cancer-predisposing syndrome. Also called: Tumor predisposition; Hereditary Cancer Syndrome; Neoplastic Syndromes, Hereditary; Hereditary neoplastic syndrome. Identifiers: Orphanet 140162, MedGen C0027672, MeSH D009386, MONDO:0015356.

Submissions (4):

Ambry Genetics
Classification: Uncertain significance for Hereditary cancer-predisposing syndrome. Last evaluated: 2026-08-20. Review status: criteria provided, single submitter. Criteria: Ambry Variant Classification Scheme 2023. Collection method: clinical testing. Allele origin: germline.
Comment: The p.P2680T variant (also known as c.8038C>A), located in coding exon 15 of the APC gene, results from a C to A substitution at nucleotide position 8038. The proline at codon 2680 is replaced by threonine, an amino acid with highly similar properties. This amino acid position is highly conserved in available vertebrate species. Missense variants in APC are not a common cause of disease (Spier I et al. Genet Med. 2024 Feb;26(2):100992). Based on the available evidence, the clinical significance of this variant remains unclear.

Labcorp Genetics (formerly Invitae), Labcorp
Classification: Uncertain significance for Familial adenomatous polyposis 1. Last evaluated: 2025-04-22. Review status: criteria provided, single submitter. Criteria: Invitae Variant Classification Sherloc (09022015). Collection method: clinical testing. Allele origin: germline.
Comment: This sequence change replaces proline, which is neutral and non-polar, with threonine, which is neutral and polar, at codon 2680 of the APC protein (p.Pro2680Thr). This variant is not present in population databases (gnomAD no frequency). This missense change has been observed in individual(s) with breast cancer and/or prostate cancer (PMID: 35534704, 38311546). ClinVar contains an entry for this variant (Variation ID: 802148). Invitae Evidence Modeling of protein sequence and biophysical properties (such as structural, functional, and spatial information, amino acid conservation, physicochemical variation, residue mobility, and thermodynamic stability) indicates that this missense variant is not expected to disrupt APC protein function with a negative predictive value of 95%. In summary, the available evidence is currently insufficient to determine the role of this variant in disease. Therefore, it has been classified as a Variant of Uncertain Significance.

Dasa
Classification: Uncertain significance. Last evaluated: 2025-03-26. Review status: criteria provided, single submitter. Criteria: DASA Assertion Criteria. Collection method: clinical testing. Allele origin: germline.
Comment: NM_000038.6(APC):c.8038C>A (p.Pro2680Thr) is a missense variant that results in the substitution of proline with threonine. This variant is rare in population databases. The currently available literature and clinical evidence are not sufficient to establish a definitive association between this variant and the reported condition. Therefore, this variant is classified as a variant of uncertain significance.

Mendelics
Classification: Uncertain significance for Familial adenomatous polyposis 1. Last evaluated: 2019-05-28. Review status: criteria provided, single submitter. Criteria: Mendelics Assertion Criteria 2017. Collection method: clinical testing. Allele origin: unknown.

Literature cited by the submitters: PubMed 35534704 (cited by Labcorp Genetics (formerly Invitae), Labcorp); PubMed 38311546 (cited by Labcorp Genetics (formerly Invitae), Labcorp).